The following is an entry in ClinVar:

ClinVar aggregate classification (germline): Uncertain significance (1 of 4 stars; one submission).

Allele frequency attached by ClinVar (database versions not stated): gnomAD exomes 0.00001; TOPMed 0.00001; ExAC 0.00002.
gnomAD v4.1: 3 of 1,614,134 alleles (0.00019%); highest among the groups gnomAD compares: Non-Finnish European, 0.00025%; no homozygotes.

Submission:

Ambry Genetics
Classification: Uncertain significance. Last evaluated: 2023-11-09. Review status: criteria provided, single submitter. Criteria: Ambry Variant Classification Scheme 2023. Collection method: clinical testing. Allele origin: germline.
Comment: The p.E150K variant (also known as c.448G>A), located in coding exon 3 of the ALPK2 gene, results from a G to A substitution at nucleotide position 448. The glutamic acid at codon 150 is replaced by lysine, an amino acid with similar properties. This amino acid position is conserved. In addition, this alteration is predicted to be tolerated by in silico analysis. Since supporting evidence is limited at this time, the clinical significance of this alteration remains unclear.

NM_052947.4(ALPK2):c.448G>A (p.Glu150Lys)

Gene: ALPK2 (alpha kinase 2; minus strand). Cytogenetic location: 18q21.31.
Variant type: single nucleotide variant.
Coding change: c.448G>A on transcript NM_052947.4 (MANE Select); coding-DNA position 448, G replaced by A.
Protein change: p.Glu150Lys; replaces glutamic acid 150 with lysine.
Molecular consequence: missense variant.
Genome position (GRCh38, 1-based): chr18:58,580,328, C>T on the plus strand (G>A on the coding strand, the complement: ALPK2 is on the minus strand). VCF-style: chr18-58580328-C-T. GRCh37 (hg19) VCF-style: chr18-56247560-C-T.
Other names: short protein forms E150K.
Identifiers: ClinVar variation 1740956 (VCV001740956.2), dbSNP rs767130408, ClinGen allele CA8977444.
Genomic context (GRCh38, chr18:58,580,328, plus strand): 5'-GGTTGGATTTGGAGGGGGAGGAGTCAGCTGACCTGGGAGTGCCCGGGGAGATGCTTTCTT[C>T]TTCCTTATAAGGATGTTCCTTCTCATCAATCTGATTTGCCCTTTCTTCTTCATGTGTCCC-3'
Protein context (NP_443179.3, residues 140-160): IDEKEHPYKE[Glu150Lys]ESISPGTPRS